The following is an entry in ClinVar:

NM_001905.4(CTPS1):c.988C>A (p.His330Asn)

Gene: CTPS1 (CTP synthase 1; plus strand). Cytogenetic location: 1p34.2.
Variant type: single nucleotide variant.
Coding change: c.988C>A on transcript NM_001905.4 (MANE Select); coding-DNA position 988, C replaced by A.
Protein change: p.His330Asn; replaces histidine 330 with asparagine.
Molecular consequence: missense variant. On other transcripts: non-coding transcript variant (1).
Genome position (GRCh38, 1-based): chr1:40,997,509, C>A. VCF-style: chr1-40997509-C-A. GRCh37 (hg19) VCF-style: chr1-41463181-C-A.
Other names: c.520C>A, p.His174Asn (NM_001301237.2); short protein forms H330N, H174N.
Identifiers: ClinVar variation 541954 (VCV000541954.8), dbSNP rs1553180295, ClinGen allele CA339905096.
Genomic context (GRCh38, chr1:40,997,509, plus strand): 5'-TTCTCAGACTCCTATGCCTCTGTCATTAAGGCTCTGGAGCATTCTGCACTGGCCATCAAC[C>A]ACAAATTGGAAATCAAGGTAAGGAGGGTGGCACAGGTACAGCCAAAGGATGAGCAGGGAA-3'
Protein context (NP_001896.2, residues 320-340): ALEHSALAIN[His330Asn]KLEIKYIDSA

ClinVar aggregate classification (germline): Uncertain significance (1 of 4 stars; one submission).

Conditions:
Combined immunodeficiency due to CTPS1 deficiency. Also called: Immunodeficiency 24; Severe combined immunodeficiency due to CTPS1 deficiency. Identifiers: Orphanet 420573, MedGen C4014617, MONDO:0014391, OMIM 615897.

Submission:

Labcorp Genetics (formerly Invitae), Labcorp
Classification: Uncertain significance for Combined immunodeficiency due to CTPS1 deficiency. Last evaluated: 2017-12-26. Review status: criteria provided, single submitter. Criteria: Invitae Variant Classification Sherloc (09022015). Collection method: clinical testing. Allele origin: germline.
Comment: This sequence change replaces histidine with asparagine at codon 330 of the CTPS1 protein (p.His330Asn). The histidine residue is moderately conserved and there is a small physicochemical difference between histidine and asparagine. In summary, the available evidence is currently insufficient to determine the role of this variant in disease. Therefore, it has been classified as a Variant of Uncertain Significance. Algorithms developed to predict the effect of missense changes on protein structure and function do not agree on the potential impact of this missense change (SIFT: "Tolerated"; PolyPhen-2: "Possibly Damaging"; Align-GVGD: "Class C25"). This variant has not been reported in the literature in individuals with CTPS1-related disease. This variant is not present in population databases (ExAC no frequency).